The following is an entry in ClinVar:

NM_000492.4(CFTR):c.892A>G (p.Lys298Glu)

Gene: CFTR (CF transmembrane conductance regulator; plus strand). Cytogenetic location: 7q31.2.
Variant type: single nucleotide variant.
Coding change: c.892A>G on transcript NM_000492.4 (MANE Select); coding-DNA position 892, A replaced by G.
Protein change: p.Lys298Glu; replaces lysine 298 with glutamic acid.
Molecular consequence: missense variant.
Genome position (GRCh38, 1-based): chr7:117,540,122, A>G. VCF-style: chr7-117540122-A-G. GRCh37 (hg19) VCF-style: chr7-117180176-A-G.
Other names: short protein forms K298E.
Identifiers: ClinVar variation 4868853 (VCV004868853.1).

ClinVar aggregate classification (germline): Uncertain significance (1 of 4 stars; one submission).

Conditions:
Cystic fibrosis (CF). Also called: MUCOVISCIDOSIS. Identifiers: Orphanet 586, MedGen C0010674, MONDO:0009061, OMIM 219700. Disease mechanism: loss of function.

Submission:

Ambry Genetics
Classification: Uncertain significance for Cystic fibrosis. Last evaluated: 2026-05-18. Review status: criteria provided, single submitter. Criteria: Ambry Variant Classification Scheme 2023. Collection method: clinical testing. Allele origin: germline.
Comment: The p.K298E variant (also known as c.892A>G), located in coding exon 8 of the CFTR gene, results from an A to G substitution at nucleotide position 892. The lysine at codon 298 is replaced by glutamic acid, an amino acid with similar properties. This amino acid position is conserved. In addition, the in silico prediction for this alteration is inconclusive. Based on the available evidence, the clinical significance of this variant remains unclear.